The following is an entry in ClinVar:

NM_032638.5(GATA2):c.1109G>A (p.Cys370Tyr)

Gene: GATA2 (GATA binding protein 2; minus strand). Cytogenetic location: 3q21.3.
Variant type: single nucleotide variant.
Coding change: c.1109G>A on transcript NM_032638.5 (MANE Select); coding-DNA position 1109, G replaced by A.
Protein change: p.Cys370Tyr; replaces cysteine 370 with tyrosine.
Molecular consequence: missense variant.
Genome position (GRCh38, 1-based): chr3:128,481,853, C>T on the plus strand (G>A on the coding strand, the complement: GATA2 is on the minus strand). VCF-style: chr3-128481853-C-T. GRCh37 (hg19) VCF-style: chr3-128200696-C-T.
Other names: c.1109G>A, p.Cys370Tyr (NM_001145661.2); c.1067G>A, p.Cys356Tyr (NM_001145662.1); short protein forms C356Y, C370Y.
Identifiers: ClinVar variation 2004383 (VCV002004383.4), dbSNP rs2472920827, ClinGen allele CA354413523.

ClinVar aggregate classification (germline): Uncertain significance (1 of 4 stars; one submission).

Conditions:
Monocytopenia with susceptibility to infections. Also called: Dendritic cell, monocyte, B lymphocyte, and natural killer lymphocyte deficiency; MONOCYTOPENIA AND MYCOBACTERIAL INFECTION SYNDROME; MONOCYTOPENIA WITH SUSCEPTIBILITY TO MYCOBACTERIAL, FUNGAL, AND PAPILLOMAVIRUS INFECTIONS AND MYELODYSPLASIA; COMBINED IMMUNODEFICIENCY WITH SUSCEPTIBILITY TO MYCOBACTERIAL, VIRAL, AND FUNGAL INFECTIONS; GATA2 DEFICIENCY; IMMUNODEFICIENCY 21. Identifiers: Orphanet 228423, MedGen C3280030, MONDO:0013607, OMIM 614172.
Deafness-lymphedema-leukemia syndrome. Also called: Lymphedema, primary, with myelodysplasia; Emberger syndrome. Identifiers: Orphanet 3226, MedGen C3279664, MONDO:0013540, OMIM 614038.

Submission:

Labcorp Genetics (formerly Invitae), Labcorp
Classification: Uncertain significance for Monocytopenia with susceptibility to infections; Deafness-lymphedema-leukemia syndrome. Last evaluated: 2024-02-17. Review status: criteria provided, single submitter. Criteria: Invitae Variant Classification Sherloc (09022015). Collection method: clinical testing. Allele origin: germline.
Comment: This sequence change replaces cysteine, which is neutral and slightly polar, with tyrosine, which is neutral and polar, at codon 370 of the GATA2 protein (p.Cys370Tyr). This variant is not present in population databases (gnomAD no frequency). This variant has not been reported in the literature in individuals affected with GATA2-related conditions. ClinVar contains an entry for this variant (Variation ID: 2004383). Advanced modeling of protein sequence and biophysical properties (such as structural, functional, and spatial information, amino acid conservation, physicochemical variation, residue mobility, and thermodynamic stability) performed at Invitae indicates that this missense variant is expected to disrupt GATA2 protein function with a positive predictive value of 95%. In summary, the available evidence is currently insufficient to determine the role of this variant in disease. Therefore, it has been classified as a Variant of Uncertain Significance.